The following is an entry in ClinVar:

ClinVar aggregate classification (germline): Uncertain significance (1 of 4 stars; one submission).

Conditions:
Inborn genetic diseases. Identifiers: MedGen C0950123, MeSH D030342.

Submission:

Ambry Genetics
Classification: Uncertain significance for Inborn genetic diseases. Last evaluated: 2020-09-29. Review status: criteria provided, single submitter. Criteria: Ambry Variant Classification Scheme 2023. Collection method: clinical testing. Allele origin: germline.
Comment: The p.Q82P variant (also known as c.245A>C), located in coding exon 1 of the ARID1B gene, results from an A to C substitution at nucleotide position 245. The glutamine at codon 82 is replaced by proline, an amino acid with similar properties. This amino acid position is poorly conserved in available vertebrate species. In addition, this alteration is predicted to be tolerated by in silico analysis. Since supporting evidence is limited at this time, the clinical significance of this alteration remains unclear.

NM_001374828.1(ARID1B):c.494A>C (p.Gln165Pro)

Genes: ARID1B (AT-rich interaction domain 1B; plus strand), LOC115308161 (uncharacterized LOC115308161; minus strand). Cytogenetic location: 6q25.3.
Variant type: single nucleotide variant.
Coding change: c.494A>C on transcript NM_001374828.1 (MANE Select); coding-DNA position 494, A replaced by C.
Protein change: p.Gln165Pro; replaces glutamine 165 with proline.
Molecular consequence: missense variant.
Genome position (GRCh38, 1-based): chr6:156,778,174, A>C. VCF-style: chr6-156778174-A-C. GRCh37 (hg19) VCF-style: chr6-157099308-A-C.
Other names: c.245A>C, p.Gln82Pro (NM_001346813.1, NM_020732.3); c.494A>C, p.Gln165Pro (NM_001371656.1, NM_001374820.1, NM_017519.3); c.71A>C, p.Gln24Pro (NM_175863.2); short protein forms Q24P, Q82P, Q165P.
Identifiers: ClinVar variation 1791596 (VCV001791596.2), dbSNP rs2114964544, ClinGen allele CA366381425.